The following is an entry in ClinVar:

NM_024757.5(EHMT1):c.977C>T (p.Ser326Phe)

Gene: EHMT1 (euchromatic histone lysine methyltransferase 1; plus strand). Cytogenetic location: 9q34.3.
Variant type: single nucleotide variant.
Coding change: c.977C>T on transcript NM_024757.5 (MANE Select); coding-DNA position 977, C replaced by T.
Protein change: p.Ser326Phe; replaces serine 326 with phenylalanine.
Molecular consequence: missense variant.
Genome position (GRCh38, 1-based): chr9:137,743,524, C>T. VCF-style: chr9-137743524-C-T. GRCh37 (hg19) VCF-style: chr9-140637976-C-T.
Other names: c.977C>T, p.Ser326Phe (NM_001145527.2, NM_001354611.2); c.884C>T, p.Ser295Phe (NM_001354259.2, NM_001354612.2); c.956C>T, p.Ser319Phe (NM_001354263.2); short protein forms S295F, S319F, S326F.
Identifiers: ClinVar variation 4769866 (VCV004769866.1).

ClinVar aggregate classification (germline): Uncertain significance (1 of 4 stars; one submission).

Conditions:
Kleefstra syndrome 1 (KLEFS1). Identifiers: Orphanet 261494, MedGen C0795833, MONDO:0027407, OMIM 610253.

gnomAD v4.1: 11 of 1,614,042 alleles (0.00068%); highest among the groups gnomAD compares: Non-Finnish European, 0.00093%; no homozygotes.

Submission:

Labcorp Genetics (formerly Invitae), Labcorp
Classification: Uncertain significance for Kleefstra syndrome 1. Last evaluated: 2025-06-18. Review status: criteria provided, single submitter. Criteria: Invitae Variant Classification Sherloc (09022015). Collection method: clinical testing. Allele origin: germline.
Comment: This sequence change replaces serine, which is neutral and polar, with phenylalanine, which is neutral and non-polar, at codon 326 of the EHMT1 protein (p.Ser326Phe). This variant is not present in population databases (gnomAD no frequency). This variant has not been reported in the literature in individuals affected with EHMT1-related conditions. An algorithm developed to predict the effect of missense changes on protein structure and function (PolyPhen-2) suggests that this variant is likely to be tolerated. In summary, the available evidence is currently insufficient to determine the role of this variant in disease. Therefore, it has been classified as a Variant of Uncertain Significance.